The following is an entry in ClinVar:

ClinVar aggregate classification (germline): Conflicting classifications of pathogenicity. Review status: criteria provided, conflicting classifications (1 of 4 stars). 5 submissions from 5 submitters: Uncertain significance (3); Likely benign (1). 1 of the submissions does not count toward it. Last evaluated 2025-05-18.

Conditions:
PKD1-related disorder. Also called: PKD1-related condition.
Polycystic kidney disease, adult type (PKD1). Also called: POLYCYSTIC KIDNEY DISEASE, ADULT, TYPE I; Polycystic Kidney Disease 1, Autosomal Dominant; Polycystic kidney disease 1; Polycystic kidney disease 1, severe; Polycystic Kidney, Autosomal Dominant; POLYCYSTIC KIDNEY DISEASE 1 WITH OR WITHOUT POLYCYSTIC LIVER DISEASE. Identifiers: MedGen C3149841, MONDO:0008263, OMIM 173900.
Inborn genetic diseases. Identifiers: MedGen C0950123, MeSH D030342.

Allele frequency attached by ClinVar (database versions not stated): ExAC 0.00002; gnomAD 0.00003; TOPMed 0.00003; ESP Exome Variant Server 0.00008.
gnomAD v4.1: 25 of 1,602,278 alleles (0.0016%); highest among the groups gnomAD compares: African/African-American, 0.0067%; no homozygotes.

Submissions (5):

Ambry Genetics
Classification: Uncertain significance for Inborn genetic diseases. Last evaluated: 2025-05-18. Review status: criteria provided, single submitter. Criteria: Ambry Variant Classification Scheme 2023. Collection method: clinical testing. Allele origin: germline.

Blueprint Genetics
Classification: Likely benign. Last evaluated: 2024-09-09. Review status: criteria provided, single submitter. Criteria: ACMG Guidelines, 2015. Collection method: clinical testing. Allele origin: germline.

Fulgent Genetics
Classification: Uncertain significance for Polycystic kidney disease, adult type. Last evaluated: 2024-06-14. Review status: criteria provided, single submitter. Criteria: ACMG Guidelines, 2015. Collection method: clinical testing. Allele origin: germline.

Department of Pathology and Laboratory Medicine, Sinai Health System
Classification: Uncertain significance for Polycystic kidney disease, adult type. Last evaluated: 2023-02-01. Review status: criteria provided, single submitter. Criteria: ACMG Guidelines, 2015. Collection method: clinical testing. Allele origin: germline. Affected: yes.

PreventionGenetics, part of Exact Sciences
Classification: Uncertain significance for PKD1-related condition. Last evaluated: 2024-04-12. Review status: no assertion criteria provided. Collection method: clinical testing. Allele origin: germline. Not counted in ClinVar's aggregate classification.
Comment: The PKD1 c.6230C>T variant is predicted to result in the amino acid substitution p.Ala2077Val. To our knowledge, this variant has not been reported in the literature. This variant is reported in 0.018% of alleles in individuals of African descent in gnomAD. Of note, a different substitution at the same codon, defined as c.6229G>C (p.Ala2077Pro), was reported in an individual with polycystic kidney disease, but the clinical significance was uncertain (Table S3 of Mallawaarachchi et al. 2021. PubMed ID: 33437033). At this time, the clinical significance of the c.6230C>T (p.Ala2077Val) variant is uncertain due to the absence of conclusive functional and genetic evidence.

NM_001009944.3(PKD1):c.6230C>T (p.Ala2077Val)

Gene: PKD1 (polycystin 1, transient receptor potential channel interacting; minus strand). Cytogenetic location: 16p13.3.
Variant type: single nucleotide variant.
Coding change: c.6230C>T on transcript NM_001009944.3 (MANE Select); coding-DNA position 6230, C replaced by T.
Protein change: p.Ala2077Val; replaces alanine 2077 with valine.
Molecular consequence: missense variant.
Genome position (GRCh38, 1-based): chr16:2,108,937, G>A on the plus strand (C>T on the coding strand, the complement: PKD1 is on the minus strand). VCF-style: chr16-2108937-G-A. GRCh37 (hg19) VCF-style: chr16-2158938-G-A.
Other names: c.6230C>T, p.Ala2077Val (NM_000296.4); short protein forms A2077V.
Identifiers: ClinVar variation 2412398 (VCV002412398.7), dbSNP rs142493877, ClinGen allele CA7831664.
Genomic context (GRCh38, chr16:2,108,937, plus strand): 5'-CCAAAGTCCCAGTGGTAGGCCACACGCCGGGGGCTGGGGCTGGTGGCGGCCTCAAACTGC[G>A]CCGAGCGGTTGGTGAAGCAGGGGCCGCTCTGCAGGGCCACATACTGGACGGCGTCCTGAA-3'
Protein context (NP_001009944.3, residues 2067-2087): QSGPCFTNRS[Ala2077Val]QFEAATSPSP